The following is an entry in ClinVar:

NM_024809.5(TCTN2):c.573del (p.Ser192fs)

Gene: TCTN2 (tectonic family member 2; plus strand). Cytogenetic location: 12q24.31.
Variant type: Deletion.
Coding change: c.573del on transcript NM_024809.5 (MANE Select); coding-DNA position 573, one base deleted (A; older notation c.573delA).
Protein change: p.Ser192fs; shifts the reading frame from serine 192.
Molecular consequence: frameshift variant.
Genome position (GRCh38, 1-based): chr12:123,686,844, A deleted. VCF-style (leftmost placement, unchanged base first): chr12-123686843-CA-C. GRCh37 (hg19) VCF-style: chr12-124171390-CA-C.
Other names: c.570del, p.Ser191fs (NM_001143850.3); short protein forms S191fs, S192fs.
Identifiers: ClinVar variation 1068960 (VCV001068960.7), dbSNP rs2135834102, ClinGen allele CA2499221478.

ClinVar aggregate classification (germline): Pathogenic (1 of 4 stars; one submission).

Conditions:
Joubert syndrome. Also called: Familial aplasia of the vermis; CEREBELLOPARENCHYMAL DISORDER IV; JOUBERT-BOLTSHAUSER SYNDROME. Identifiers: Orphanet 475, MedGen C5979921, MONDO:0018772.
Meckel-Gruber syndrome. Also called: Dysencephalia splachnocystica; DYSENCEPHALIA SPLANCHNOCYSTICA; GRUBER SYNDROME. Identifiers: Orphanet 564, MedGen C0265215, MONDO:0018921.

Submission:

Labcorp Genetics (formerly Invitae), Labcorp
Classification: Pathogenic for Joubert syndrome; Meckel-Gruber syndrome. Last evaluated: 2022-06-20. Review status: criteria provided, single submitter. Criteria: Invitae Variant Classification Sherloc (09022015). Collection method: clinical testing. Allele origin: germline.
Comment: This sequence change creates a premature translational stop signal (p.Ser192Glnfs*3) in the TCTN2 gene. It is expected to result in an absent or disrupted protein product. Loss-of-function variants in TCTN2 are known to be pathogenic (PMID: 21565611). This variant is not present in population databases (gnomAD no frequency). This variant has not been reported in the literature in individuals affected with TCTN2-related conditions. ClinVar contains an entry for this variant (Variation ID: 1068960). For these reasons, this variant has been classified as Pathogenic.

Literature cited by the submitters: PubMed 21565611.